The following is an entry in ClinVar:

ClinVar aggregate classification (germline): Uncertain significance. Review status: criteria provided, multiple submitters, no conflicts (2 of 4 stars). 4 submissions from 4 submitters: Uncertain significance (4). Last evaluated 2026-10-01.

Conditions:
Hereditary cancer-predisposing syndrome. Also called: Hereditary neoplastic syndrome; Tumor predisposition; Neoplastic Syndromes, Hereditary; Hereditary Cancer Syndrome. Identifiers: Orphanet 140162, MedGen C0027672, MeSH D009386, MONDO:0015356.
Colorectal cancer, susceptibility to, 12 (CRCS12). Also called: COLORECTAL CANCER, SUSCEPTIBILITY TO, ON CHROMOSOME 12q24. Identifiers: Orphanet 220460, MedGen C3554460, MONDO:0014038, OMIM 615083.

Allele frequency attached by ClinVar (database versions not stated): gnomAD exomes below 0.00001 and 0.00001; gnomAD 0.00003 and 0.00004; TOPMed 0.00003.
gnomAD v4.1: 19 of 1,613,782 alleles (0.0012%); highest among the groups gnomAD compares: African/African-American, 0.0067%; no homozygotes.

Submissions (4):

St. Jude Molecular Pathology, St. Jude Children's Research Hospital
Classification: Uncertain significance for Colorectal cancer, susceptibility to, 12. Last evaluated: 2026-10-01. Review status: criteria provided, single submitter. Criteria: St. Jude Assertion Criteria 2020. Collection method: clinical testing. Allele origin: germline.
Comment: The POLE c.6409G>A p.(Glu2137Lys) missense change has a maximum subpopulation frequency of 0.0008% in gnomAD v2.1.1. The in silico tool REVEL is inconclusive about a pathogenic or benign effect of this variant on protein function, and to our knowledge functional studies have not been performed. To our knowledge, this variant has not been reported in the literature in individuals with POLE-related disease. In summary, the evidence currently available is insufficient to determine the clinical significance of this variant. It has therefore been classified as of uncertain significance.

Labcorp Genetics (formerly Invitae), Labcorp
Classification: Uncertain significance. Last evaluated: 2025-11-25. Review status: criteria provided, single submitter. Criteria: Invitae Variant Classification Sherloc (09022015). Collection method: clinical testing. Allele origin: germline.
Comment: This sequence change replaces glutamic acid, which is acidic and polar, with lysine, which is basic and polar, at codon 2137 of the POLE protein (p.Glu2137Lys). This variant is present in population databases (no rsID available, gnomAD 0.004%). This variant has not been reported in the literature in individuals affected with POLE-related conditions. ClinVar contains an entry for this variant (Variation ID: 473802). Invitae Evidence Modeling of protein sequence and biophysical properties (such as structural, functional, and spatial information, amino acid conservation, physicochemical variation, residue mobility, and thermodynamic stability) indicates that this missense variant is not expected to disrupt POLE protein function with a negative predictive value of 80%. In summary, the available evidence is currently insufficient to determine the role of this variant in disease. Therefore, it has been classified as a Variant of Uncertain Significance.

Ambry Genetics
Classification: Uncertain significance for Hereditary cancer-predisposing syndrome. Last evaluated: 2025-01-09. Review status: criteria provided, single submitter. Criteria: Ambry Variant Classification Scheme 2023. Collection method: clinical testing. Allele origin: germline.
Comment: The p.E2137K variant (also known as c.6409G>A), located in coding exon 46 of the POLE gene, results from a G to A substitution at nucleotide position 6409. The glutamic acid at codon 2137 is replaced by lysine, an amino acid with similar properties. This amino acid position is highly conserved in available vertebrate species. In addition, the in silico prediction for this alteration is inconclusive. Based on the available evidence, the clinical significance of this variant remains unclear.

GeneDx
Classification: Uncertain significance. Last evaluated: 2023-09-25. Review status: criteria provided, single submitter. Criteria: GeneDx Variant Classification Process June 2021. Collection method: clinical testing. Allele origin: germline. Affected: yes.
Comment: Not observed at significant frequency in large population cohorts (gnomAD); In silico analysis supports that this missense variant has a deleterious effect on protein structure/function; Has not been previously published as pathogenic or benign to our knowledge

NM_006231.4(POLE):c.6409G>A (p.Glu2137Lys)

Gene: POLE (DNA polymerase epsilon, catalytic subunit; minus strand). Cytogenetic location: 12q24.33.
Variant type: single nucleotide variant.
Coding change: c.6409G>A on transcript NM_006231.4 (MANE Select); coding-DNA position 6409, G replaced by A.
Protein change: p.Glu2137Lys; replaces glutamic acid 2137 with lysine.
Molecular consequence: missense variant.
Genome position (GRCh38, 1-based): chr12:132,626,239, C>T on the plus strand (G>A on the coding strand, the complement: POLE is on the minus strand). VCF-style: chr12-132626239-C-T. GRCh37 (hg19) VCF-style: chr12-133202825-C-T.
Other names: short protein forms E2137K.
Identifiers: ClinVar variation 473802 (VCV000473802.14), dbSNP rs879783561, ClinGen allele CA246286802.